The following is an entry in ClinVar:

NM_033159.4(HYAL1):c.133G>T (p.Glu45Ter)

Gene: HYAL1 (hyaluronidase 1; minus strand). Cytogenetic location: 3p21.31.
Variant type: single nucleotide variant.
Coding change: c.133G>T on transcript NM_033159.4 (MANE Select); coding-DNA position 133, G replaced by T.
Protein change: p.Glu45Ter; replaces glutamic acid 45 with a stop codon.
Molecular consequence: nonsense. On other transcripts: non-coding transcript variant (1), intron variant (2).
Genome position (GRCh38, 1-based): chr3:50,302,824, C>A on the plus strand (G>T on the coding strand, the complement: HYAL1 is on the minus strand). VCF-style: chr3-50302824-C-A. GRCh37 (hg19) VCF-style: chr3-50340255-C-A.
Other names: c.133G>T, p.Glu45Ter (NM_153281.2, NM_153282.3); c.-26-619G>T (NM_153285.3); c.-213-201G>T (NM_153283.3); short protein forms E45*.
Identifiers: ClinVar variation 643652 (VCV000643652.5), dbSNP rs1575517577, ClinGen allele CA352897175.

ClinVar aggregate classification (germline): Pathogenic (1 of 4 stars; one submission).

Conditions:
Deficiency of hyaluronoglucosaminidase (MPS9). Also called: MPS IX; HYALURONIDASE DEFICIENCY; Mucopolysaccharidosis type 9. Identifiers: Orphanet 67041, MedGen C1291490, MONDO:0011093, OMIM 601492.

Allele frequency attached by ClinVar (database versions not stated): gnomAD exomes below 0.00001.

Submission:

Labcorp Genetics (formerly Invitae), Labcorp
Classification: Pathogenic for Deficiency of hyaluronoglucosaminidase. Last evaluated: 2018-11-02. Review status: criteria provided, single submitter. Criteria: Invitae Variant Classification Sherloc (09022015). Collection method: clinical testing. Allele origin: germline.
Comment: For these reasons, this variant has been classified as Pathogenic. Loss-of-function variants in HYAL1 are known to be pathogenic (PMID: 10339581, 21559944). This variant has not been reported in the literature in individuals with HYAL1-related disease. This variant is not present in population databases (ExAC no frequency). This sequence change creates a premature translational stop signal (p.Glu45*) in the HYAL1 gene. It is expected to result in an absent or disrupted protein product.

Literature cited by the submitters: PubMed 10339581; PubMed 21559944.